The following is an entry in ClinVar:

ClinVar aggregate classification (germline): Uncertain significance. Review status: criteria provided, multiple submitters, no conflicts (2 of 4 stars). 2 submissions from 2 submitters: Uncertain significance (2). Last evaluated 2025-03-28.

Conditions:
Inborn genetic diseases. Identifiers: MedGen C0950123, MeSH D030342.

Allele frequency attached by ClinVar (database versions not stated): gnomAD 0.00002; gnomAD exomes below 0.00001; TOPMed 0.00001.
gnomAD v4.1: 4 of 1,614,206 alleles (0.00025%); highest among the groups gnomAD compares: Admixed American, 0.005%; no homozygotes.

Submissions (2):

Ambry Genetics
Classification: Uncertain significance for Inborn genetic diseases. Last evaluated: 2025-03-28. Review status: criteria provided, single submitter. Criteria: Ambry Variant Classification Scheme 2023. Collection method: clinical testing. Allele origin: germline.

Labcorp Genetics (formerly Invitae), Labcorp
Classification: Uncertain significance. Last evaluated: 2022-06-22. Review status: criteria provided, single submitter. Criteria: Invitae Variant Classification Sherloc (09022015). Collection method: clinical testing. Allele origin: germline.
Comment: This sequence change replaces glutamine, which is neutral and polar, with proline, which is neutral and non-polar, at codon 364 of the HPS4 protein (p.Gln364Pro). This variant is not present in population databases (gnomAD no frequency). This variant has not been reported in the literature in individuals affected with HPS4-related conditions. Algorithms developed to predict the effect of missense changes on protein structure and function (SIFT, PolyPhen-2, Align-GVGD) all suggest that this variant is likely to be tolerated. In summary, the available evidence is currently insufficient to determine the role of this variant in disease. Therefore, it has been classified as a Variant of Uncertain Significance.

NM_022081.6(HPS4):c.1091A>C (p.Gln364Pro)

Gene: HPS4 (HPS4 biogenesis of lysosomal organelles complex 3 subunit 2; minus strand). Cytogenetic location: 22q12.1.
Variant type: single nucleotide variant.
Coding change: c.1091A>C on transcript NM_022081.6 (MANE Select); coding-DNA position 1091, A replaced by C.
Protein change: p.Gln364Pro; replaces glutamine 364 with proline.
Molecular consequence: missense variant. On other transcripts: non-coding transcript variant (8).
Genome position (GRCh38, 1-based): chr22:26,464,539, T>G on the plus strand (A>C on the coding strand, the complement: HPS4 is on the minus strand). VCF-style: chr22-26464539-T-G. GRCh37 (hg19) VCF-style: chr22-26860505-T-G.
Other names: c.1091A>C, p.Gln364Pro (NM_001349896.1, NM_001349898.2, NM_001349899.2 and 5 more transcripts); c.1145A>C, p.Gln382Pro (NM_001349900.2, NM_001349901.1); c.1076A>C, p.Gln359Pro (NM_152841.2); c.1091A>C (NM_022081.4); short protein forms Q364P, Q382P, Q359P.
Identifiers: ClinVar variation 1943468 (VCV001943468.3), dbSNP rs1449880848, ClinGen allele CA411028063.